The following is an entry in ClinVar:

ClinVar aggregate classification (germline): Benign/Likely benign. Review status: criteria provided, multiple submitters, no conflicts (2 of 4 stars). 2 submissions from 2 submitters: Benign (1); Likely benign (1). Last evaluated 2025-11-17.

Conditions:
PDK3-related disorder. Also called: PDK3-related condition.
Charcot-Marie-Tooth disease X-linked dominant 6. Also called: CHARCOT-MARIE-TOOTH NEUROPATHY, X-LINKED DOMINANT, 6. Identifiers: Orphanet 352675, MedGen C3806702, MONDO:0010479, OMIM 300905.

Allele frequency attached by ClinVar (database versions not stated): gnomAD exomes 0.00001; ExAC 0.00005; TOPMed 0.00006; ESP Exome Variant Server 0.00009; gnomAD 0.00009; 1000 Genomes Project 30x 0.00083; 1000 Genomes Project 0.00106.
gnomAD v4.1: 25 of 1,201,446 alleles (0.0021%); highest among the groups gnomAD compares: African/African-American, 0.035%; no homozygotes.

Submissions (2):

PreventionGenetics, part of Exact Sciences
Classification: Likely benign for PDK3-related condition. Last evaluated: 2025-11-17. Review status: criteria provided, single submitter. Criteria: ACMG Guidelines, 2015. Collection method: clinical testing. Allele origin: germline.
Comment: This variant is classified as likely benign based on ACMG/AMP sequence variant interpretation guidelines (Richards et al. 2015 PMID: 25741868, with internal and published modifications).

Labcorp Genetics (formerly Invitae), Labcorp
Classification: Benign for Charcot-Marie-Tooth disease X-linked dominant 6. Last evaluated: 2025-08-29. Review status: criteria provided, single submitter. Criteria: Invitae Variant Classification Sherloc (09022015). Collection method: clinical testing. Allele origin: germline.

NM_005391.5(PDK3):c.567C>T (p.Pro189=)

Gene: PDK3 (pyruvate dehydrogenase kinase 3; plus strand). Cytogenetic location: Xp22.11.
Variant type: single nucleotide variant.
Coding change: c.567C>T on transcript NM_005391.5 (MANE Select); coding-DNA position 567, C replaced by T.
Protein change: p.Pro189=; no amino-acid change (proline 189 retained).
Molecular consequence: synonymous variant.
Genome position (GRCh38, 1-based): chrX:24,505,270, C>T. VCF-style: chrX-24505270-C-T. GRCh37 (hg19) VCF-style: chrX-24523387-C-T.
Other names: c.567C>T, p.Pro189= (NM_001142386.3); c.567C>T (NM_001142386.2).
Identifiers: ClinVar variation 2727512 (VCV002727512.4), dbSNP rs140832139, ClinGen allele CA10372301.